The following is an entry in ClinVar:

NM_017635.5(KMT5B):c.1706C>T (p.Thr569Met)

Gene: KMT5B (lysine methyltransferase 5B; minus strand). Cytogenetic location: 11q13.2.
Variant type: single nucleotide variant.
Coding change: c.1706C>T on transcript NM_017635.5 (MANE Select); coding-DNA position 1706, C replaced by T.
Protein change: p.Thr569Met; replaces threonine 569 with methionine.
Molecular consequence: missense variant.
Genome position (GRCh38, 1-based): chr11:68,158,640, G>A on the plus strand (C>T on the coding strand, the complement: KMT5B is on the minus strand). VCF-style: chr11-68158640-G-A. GRCh37 (hg19) VCF-style: chr11-67926107-G-A.
Other names: c.1190C>T, p.Thr397Met (NM_001300907.1, NM_001369428.1, NM_001369429.1 and 4 more transcripts); c.986C>T, p.Thr329Met (NM_001300908.2); c.1706C>T, p.Thr569Met (NM_001369426.1); c.1706C>T (NM_017635.4); short protein forms T329M, T397M, T569M.
Identifiers: ClinVar variation 2336623 (VCV002336623.29), dbSNP rs144521985, ClinGen allele CA6148136.

ClinVar aggregate classification (germline): Conflicting classifications of pathogenicity. Review status: criteria provided, conflicting classifications (1 of 4 stars). 5 submissions from 5 submitters: Uncertain significance (1); Likely benign (3). 1 of the submissions does not count toward it. Last evaluated 2025-02-16.

Conditions:
Inborn genetic diseases. Identifiers: MedGen C0950123, MeSH D030342.
KMT5B-related disorder. Also called: KMT5B-related condition.

Allele frequency attached by ClinVar (database versions not stated): ExAC 0.00030; TOPMed 0.00030; gnomAD 0.00036; gnomAD exomes 0.00051; ESP Exome Variant Server 0.00062.

Submissions (5):

Laboratory of Genetics, Children's Clinical University Hospital Latvia
Classification: Likely benign. Last evaluated: 2025-02-16. Review status: criteria provided, single submitter. Criteria: ACMG Guidelines, 2015. Collection method: clinical testing. Allele origin: germline. Affected: yes.

CeGaT Center for Human Genetics Tuebingen
Classification: Likely benign. Last evaluated: 2024-10-01. Review status: criteria provided, single submitter. Criteria: CeGaT Center For Human Genetics Tuebingen Variant Classification Criteria Version 2. Collection method: clinical testing. Allele origin: germline. Affected: yes. Observed: 2 variant alleles.
Comment: KMT5B: BP4

GeneDx
Classification: Uncertain significance. Last evaluated: 2024-03-21. Review status: criteria provided, single submitter. Criteria: GeneDx Variant Classification Process June 2021. Collection method: clinical testing. Allele origin: germline. Affected: yes.
Comment: In silico analysis supports that this missense variant does not alter protein structure/function; Has not been previously published as pathogenic or benign to our knowledge

Ambry Genetics
Classification: Likely benign for Inborn genetic diseases. Last evaluated: 2021-09-29. Review status: criteria provided, single submitter. Criteria: Ambry Variant Classification Scheme 2023. Collection method: clinical testing. Allele origin: germline.

PreventionGenetics, part of Exact Sciences
Classification: Likely benign for KMT5B-related condition. Last evaluated: 2023-10-09. Review status: no assertion criteria provided. Collection method: clinical testing. Allele origin: germline. Not counted in ClinVar's aggregate classification.
Comment: This variant is classified as likely benign based on ACMG/AMP sequence variant interpretation guidelines (Richards et al. 2015 PMID: 25741868, with internal and published modifications).